The following is an entry in ClinVar:

ClinVar aggregate classification (germline): Uncertain significance. Review status: criteria provided, multiple submitters, no conflicts (2 of 4 stars). 4 submissions from 4 submitters: Uncertain significance (4). Last evaluated 2024-02-16.

Conditions:
Cranioectodermal dysplasia 1 (CED1). Also called: LEVIN SYNDROME I. Identifiers: Orphanet 1515, MedGen C0432235, MONDO:0021093, OMIM 218330.
Inborn genetic diseases. Identifiers: MedGen C0950123, MeSH D030342.

Allele frequency attached by ClinVar (database versions not stated): gnomAD 0.00004 and 0.00005; gnomAD exomes 0.00004 and 0.00006; TOPMed 0.00005; ExAC 0.00006.

Submissions (4):

Fulgent Genetics
Classification: Uncertain significance for Cranioectodermal dysplasia 1. Last evaluated: 2024-02-16. Review status: criteria provided, single submitter. Criteria: ACMG Guidelines, 2015. Collection method: clinical testing. Allele origin: germline.

Labcorp Genetics (formerly Invitae), Labcorp
Classification: Uncertain significance for Cranioectodermal dysplasia 1. Last evaluated: 2022-01-26. Review status: criteria provided, single submitter. Criteria: Invitae Variant Classification Sherloc (09022015). Collection method: clinical testing. Allele origin: germline.
Comment: This sequence change replaces lysine, which is basic and polar, with glutamic acid, which is acidic and polar, at codon 483 of the IFT122 protein (p.Lys483Glu). This variant is present in population databases (rs781181264, gnomAD 0.1%). This variant has not been reported in the literature in individuals affected with IFT122-related conditions. ClinVar contains an entry for this variant (Variation ID: 343240). Algorithms developed to predict the effect of missense changes on protein structure and function are either unavailable or do not agree on the potential impact of this missense change (SIFT: "Deleterious"; PolyPhen-2: "Benign"; Align-GVGD: "Class C0"). In summary, the available evidence is currently insufficient to determine the role of this variant in disease. Therefore, it has been classified as a Variant of Uncertain Significance.

Ambry Genetics
Classification: Uncertain significance for Inborn genetic diseases. Last evaluated: 2021-06-11. Review status: criteria provided, single submitter. Criteria: Ambry Variant Classification Scheme 2023. Collection method: clinical testing. Allele origin: germline.

Illumina Laboratory Services, Illumina
Classification: Uncertain significance for Cranioectodermal dysplasia 1. Last evaluated: 2018-01-13. Review status: criteria provided, single submitter. Criteria: ICSL Variant Classification Criteria 13 December 2019. Collection method: clinical testing. Allele origin: germline.

NM_052989.3(IFT122):c.1294A>G (p.Lys432Glu)

Gene: IFT122 (intraflagellar transport 122; plus strand). Cytogenetic location: 3q21.3.
Variant type: single nucleotide variant.
Coding change: c.1294A>G on transcript NM_052989.3 (MANE Select); coding-DNA position 1294, A replaced by G.
Protein change: p.Lys432Glu; replaces lysine 432 with glutamic acid.
Molecular consequence: missense variant.
Genome position (GRCh38, 1-based): chr3:129,478,162, A>G. VCF-style: chr3-129478162-A-G. GRCh37 (hg19) VCF-style: chr3-129197005-A-G.
Other names: c.1270A>G, p.Lys424Glu (NM_001280541.2); c.844A>G, p.Lys282Glu (NM_001280545.2); c.667A>G, p.Lys223Glu (NM_001280546.2); c.1117A>G, p.Lys373Glu (NM_018262.4); c.1447A>G, p.Lys483Glu (NM_052985.4); c.961A>G, p.Lys321Glu (NM_052990.3); c.1447A>G (NM_052985.2); short protein forms K483E, K223E, K282E, K321E, K373E, K424E, K432E.
Identifiers: ClinVar variation 343240 (VCV000343240.9), dbSNP rs781181264, ClinGen allele CA2606121.
Genomic context (GRCh38, chr3:129,478,162, plus strand): 5'-TATGAGTTGTATTCAGAGGACTTATCAGACATGCATTACCGGGTAAAGGAGAAGATTATC[A>G]AGAAGTTTGAGTGCAACCTCCTGGTGGTGTGTGCCAATCACATCATCCTGTGCCAGGTGG-3'
Protein context (NP_443715.1, residues 422-442): MHYRVKEKII[Lys432Glu]KFECNLLVVC